The following is an entry in ClinVar:

ClinVar aggregate classification (germline): Uncertain significance (1 of 4 stars; one submission).

Allele frequency attached by ClinVar (database versions not stated): gnomAD 0.00001; ExAC 0.00002; gnomAD exomes 0.00002; TOPMed 0.00002; ESP Exome Variant Server 0.00008.
gnomAD v4.1: 38 of 1,612,922 alleles (0.0024%); highest among the groups gnomAD compares: Non-Finnish European, 0.0028%; no homozygotes.

Submission:

Labcorp Genetics (formerly Invitae), Labcorp
Classification: Uncertain significance. Last evaluated: 2022-09-19. Review status: criteria provided, single submitter. Criteria: Invitae Variant Classification Sherloc (09022015). Collection method: clinical testing. Allele origin: germline.
Comment: This variant is present in population databases (rs375363647, gnomAD 0.003%). This sequence change replaces threonine, which is neutral and polar, with isoleucine, which is neutral and non-polar, at codon 3383 of the ASPM protein (p.Thr3383Ile). This variant has not been reported in the literature in individuals affected with ASPM-related conditions. In summary, the available evidence is currently insufficient to determine the role of this variant in disease. Therefore, it has been classified as a Variant of Uncertain Significance. Algorithms developed to predict the effect of missense changes on protein structure and function are either unavailable or do not agree on the potential impact of this missense change (SIFT: "Tolerated"; PolyPhen-2: "Possibly Damaging"; Align-GVGD: "Class C0"). ClinVar contains an entry for this variant (Variation ID: 1476829).

NM_018136.5(ASPM):c.10148C>T (p.Thr3383Ile)

Gene: ASPM (assembly factor for spindle microtubules; minus strand). Cytogenetic location: 1q31.3.
Variant type: single nucleotide variant.
Coding change: c.10148C>T on transcript NM_018136.5 (MANE Select); coding-DNA position 10148, C replaced by T.
Protein change: p.Thr3383Ile; replaces threonine 3383 with isoleucine.
Molecular consequence: missense variant.
Genome position (GRCh38, 1-based): chr1:197,088,269, G>A on the plus strand (C>T on the coding strand, the complement: ASPM is on the minus strand). VCF-style: chr1-197088269-G-A. GRCh37 (hg19) VCF-style: chr1-197057399-G-A.
Other names: c.5393C>T, p.Thr1798Ile (NM_001206846.2); short protein forms T1798I, T3383I.
Identifiers: ClinVar variation 1476829 (VCV001476829.8), dbSNP rs375363647, ClinGen allele CA1308789.